The following is an entry in ClinVar:

ClinVar aggregate classification (germline): Uncertain significance (1 of 4 stars; one submission).

Allele frequency attached by ClinVar (database versions not stated): gnomAD exomes 0.00002.
gnomAD v4.1: 26 of 1,598,402 alleles (0.0016%); highest among the groups gnomAD compares: Non-Finnish European, 0.0019%; no homozygotes.

Submission:

Labcorp Genetics (formerly Invitae), Labcorp
Classification: Uncertain significance. Last evaluated: 2022-05-17. Review status: criteria provided, single submitter. Criteria: Invitae Variant Classification Sherloc (09022015). Collection method: clinical testing. Allele origin: germline.
Comment: This sequence change replaces alanine, which is neutral and non-polar, with glycine, which is neutral and non-polar, at codon 1114 of the INPPL1 protein (p.Ala1114Gly). This variant is present in population databases (rs1049472, gnomAD 0.001%). This variant has not been reported in the literature in individuals affected with INPPL1-related conditions. Algorithms developed to predict the effect of missense changes on protein structure and function (SIFT, PolyPhen-2, Align-GVGD) all suggest that this variant is likely to be tolerated. In summary, the available evidence is currently insufficient to determine the role of this variant in disease. Therefore, it has been classified as a Variant of Uncertain Significance.

NM_001567.4(INPPL1):c.3341C>G (p.Ala1114Gly)

Gene: INPPL1 (inositol polyphosphate phosphatase like 1; plus strand). Cytogenetic location: 11q13.4.
Variant type: single nucleotide variant.
Coding change: c.3341C>G on transcript NM_001567.4 (MANE Select); coding-DNA position 3341, C replaced by G.
Protein change: p.Ala1114Gly; replaces alanine 1114 with glycine.
Molecular consequence: missense variant.
Genome position (GRCh38, 1-based): chr11:72,237,585, C>G. VCF-style: chr11-72237585-C-G. GRCh37 (hg19) VCF-style: chr11-71948629-C-G.
Other names: short protein forms A1114G.
Identifiers: ClinVar variation 1977407 (VCV001977407.2), dbSNP rs1049472, ClinGen allele CA224381783.